The following is an entry in ClinVar:

NM_001127644.2(GABRA1):c.-24G>C

Gene: GABRA1 (gamma-aminobutyric acid type A receptor subunit alpha1; plus strand). Cytogenetic location: 5q34.
Variant type: single nucleotide variant.
Coding change: c.-24G>C on transcript NM_001127644.2 (MANE Select); 24 bases upstream of the start codon, G replaced by C.
Molecular consequence: 5 prime UTR variant.
Genome position (GRCh38, 1-based): chr5:161,848,414, G>C. VCF-style: chr5-161848414-G-C. GRCh37 (hg19) VCF-style: chr5-161275420-G-C.
Other names: c.-24G>C (NM_000806.5, NM_001127643.2).
Identifiers: ClinVar variation 377899 (VCV000377899.1), dbSNP rs981975825, ClinGen allele CA16605314.

ClinVar aggregate classification (germline): Likely benign (1 of 4 stars; one submission).

Allele frequency attached by ClinVar (database versions not stated): gnomAD 0.00001 and 0.00002; TOPMed 0.00002; 1000 Genomes Project 30x 0.00031.

Submission:

GeneDx
Classification: Likely benign. Last evaluated: 2016-12-14. Review status: criteria provided, single submitter. Criteria: GeneDx Variant Classification (06012015). Collection method: clinical testing. Allele origin: germline. Affected: yes.
Comment: This variant is considered likely benign or benign based on one or more of the following criteria: it is a conservative change, it occurs at a poorly conserved position in the protein, it is predicted to be benign by multiple in silico algorithms, and/or has population frequency not consistent with disease.